The following is an entry in ClinVar:

ClinVar aggregate classification (germline): Likely benign (0 of 4 stars; one submission).

Conditions:
KDM5A-related disorder. Also called: KDM5A-related condition.

Allele frequency attached by ClinVar (database versions not stated): gnomAD 0.00005; gnomAD exomes 0.00005; TOPMed 0.00015; 1000 Genomes Project 0.00020; ExAC 0.00021; 1000 Genomes Project 30x 0.00031.
gnomAD v4.1: 76 of 1,612,628 alleles (0.0047%); highest among the groups gnomAD compares: Admixed American, 0.12%; 1 homozygote.

Submission:

PreventionGenetics, part of Exact Sciences
Classification: Likely benign for KDM5A-related condition. Last evaluated: 2022-04-21. Review status: no assertion criteria provided. Collection method: clinical testing. Allele origin: germline.
Comment: This variant is classified as likely benign based on ACMG/AMP sequence variant interpretation guidelines (Richards et al. 2015 PMID: 25741868, with internal and published modifications).

NM_001042603.3(KDM5A):c.4455+6G>T

Gene: KDM5A (lysine demethylase 5A; minus strand). Cytogenetic location: 12p13.33.
Variant type: single nucleotide variant.
Coding change: c.4455+6G>T on transcript NM_001042603.3 (MANE Select); 6 bases into the intron after coding-DNA position 4455, G replaced by T.
Molecular consequence: intron variant.
Genome position (GRCh38, 1-based): chr12:295,567, C>A on the plus strand (G>T on the coding strand, the complement: KDM5A is on the minus strand). VCF-style: chr12-295567-C-A. GRCh37 (hg19) VCF-style: chr12-404733-C-A.
Identifiers: ClinVar variation 3046862 (VCV003046862.2), dbSNP rs201730673, ClinGen allele CA6378566.